The following is an entry in ClinVar:

ClinVar aggregate classification (germline): Uncertain significance (1 of 4 stars; one submission).

gnomAD v4.1: 6 of 1,612,598 alleles (0.00037%); highest among the groups gnomAD compares: Non-Finnish European, 0.00042%; no homozygotes.

Submissions (2):

GeneDx
Classification: Uncertain significance. Last evaluated: 2024-08-30. Review status: criteria provided, single submitter. Criteria: GeneDx Variant Classification Process June 2021. Collection method: clinical testing. Allele origin: germline. Affected: yes.
Comment: Not observed at significant frequency in large population cohorts (gnomAD); In silico analysis indicates that this missense variant does not alter protein structure/function; Has not been previously published as pathogenic or benign to our knowledge

Dr. Peter K. Rogan Lab, Western University
No classification provided (evidence only). Condition: Thyroid cancer, nonmedullary, 1. Review status: no classification provided. Collection method: in vitro. Allele origin: not applicable. Functional consequence: retained intron. Not counted in ClinVar's aggregate classification.

NM_015570.4(AUTS2):c.3215G>A (p.Arg1072Gln)

Gene: AUTS2 (activator of transcription and developmental regulator AUTS2; plus strand). Cytogenetic location: 7q11.22.
Variant type: single nucleotide variant.
Coding change: c.3215G>A on transcript NM_015570.4 (MANE Select); coding-DNA position 3215, G replaced by A.
Protein change: p.Arg1072Gln; replaces arginine 1072 with glutamine.
Molecular consequence: missense variant.
Genome position (GRCh38, 1-based): chr7:70,790,431, G>A. VCF-style: chr7-70790431-G-A. GRCh37 (hg19) VCF-style: chr7-70255417-G-A.
Other names: NC_000007.13:g.70255417G>A; c.3143G>A, p.Arg1048Gln (NM_001127231.3); short protein forms R1048Q, R1072Q.
Identifiers: ClinVar variation 3765980 (VCV003765980.2).
Genomic context (GRCh38, chr7:70,790,431, plus strand): 5'-TCAGCCCCCTCCCGGGCGGAGAGCGCTTCCCGTACCCTTCTTTCCACTGGGACCCCATCC[G>A]GGACCCCTTGAGGGATCCTTACCGAGAACTTGACATTCACCGGAGAGACCCGCTGGGCAG-3'
Protein context (NP_056385.1, residues 1062-1082): PYPSFHWDPI[Arg1072Gln]DPLRDPYREL